The following is an entry in ClinVar:

ClinVar aggregate classification (germline): Uncertain significance (1 of 4 stars; one submission).

Conditions:
Inborn genetic diseases. Identifiers: MedGen C0950123, MeSH D030342.

gnomAD v4.1: 3 of 1,613,536 alleles (0.00019%); highest among the groups gnomAD compares: East Asian, 0.0067%; no homozygotes.

Submission:

Ambry Genetics
Classification: Uncertain significance for Inborn genetic diseases. Last evaluated: 2026-03-02. Review status: criteria provided, single submitter. Criteria: Ambry Variant Classification Scheme 2023. Collection method: clinical testing. Allele origin: germline.
Comment: The p.Q479H variant (also known as c.1437G>C), located in coding exon 11 of the CEP57 gene, results from a G to C substitution at nucleotide position 1437. The glutamine at codon 479 is replaced by histidine, an amino acid with highly similar properties. This amino acid position is conserved. In addition, this alteration is predicted to be tolerated by in silico analysis. Based on the available evidence, the clinical significance of this variant remains unclear.

NM_014679.5(CEP57):c.1437G>C (p.Gln479His)

Gene: CEP57 (centrosomal protein 57; plus strand). Cytogenetic location: 11q21.
Variant type: single nucleotide variant.
Coding change: c.1437G>C on transcript NM_014679.5 (MANE Select); coding-DNA position 1437, G replaced by C.
Protein change: p.Gln479His; replaces glutamine 479 with histidine.
Molecular consequence: missense variant.
Genome position (GRCh38, 1-based): chr11:95,831,190, G>C. VCF-style: chr11-95831190-G-C. GRCh37 (hg19) VCF-style: chr11-95564354-G-C.
Other names: c.1356G>C, p.Gln452His (NM_001363604.2, NM_001440869.1, NM_001440870.1); c.1329G>C, p.Gln443His (NM_001440871.1); c.1320G>C, p.Gln440His (NM_001440872.1); c.1257G>C, p.Gln419His (NM_001440873.1); c.1251G>C, p.Gln417His (NM_001440874.1); c.1248G>C, p.Gln416His (NM_001440875.1); c.1242G>C, p.Gln414His (NM_001440876.1); c.1239G>C, p.Gln413His (NM_001440877.1, NM_001440878.1); and 6 more; short protein forms Q380H, Q414H, Q453H, Q404H, Q416H, Q443H, Q470H, Q479H.
Identifiers: ClinVar variation 4826385 (VCV004826385.1).